The following is an entry in ClinVar:

NM_000642.3(AGL):c.526G>A (p.Ala176Thr)

Gene: AGL (amylo-alpha-1,6-glucosidase and 4-alpha-glucanotransferase; plus strand). Cytogenetic location: 1p21.2.
Variant type: single nucleotide variant.
Coding change: c.526G>A on transcript NM_000642.3 (MANE Select); coding-DNA position 526, G replaced by A.
Protein change: p.Ala176Thr; replaces alanine 176 with threonine.
Molecular consequence: missense variant.
Genome position (GRCh38, 1-based): chr1:99,864,451, G>A. VCF-style: chr1-99864451-G-A. GRCh37 (hg19) VCF-style: chr1-100330007-G-A.
Other names: c.526G>A, p.Ala176Thr (NM_000028.3, NM_000643.3, NM_000644.3 and 3 more transcripts); c.478G>A, p.Ala160Thr (NM_000646.3); c.148G>A, p.Ala50Thr (NM_001425332.1); short protein forms A176T, A160T, A50T.
Identifiers: ClinVar variation 1356858 (VCV001356858.6), dbSNP rs533806773, ClinGen allele CA966204.
Genomic context (GRCh38, chr1:99,864,451, plus strand): 5'-AACATGATTCATTTTACCCCATTGCAGACTCTTGGACTATCTAGGTCATGCTACTCCCTT[G>A]CCAATCAGTTAGAATTAAATCCTGACTTTTCAAGACCTAATAGAAAGTATACCTGGAATG-3'
Protein context (NP_000633.2, residues 166-186): LGLSRSCYSL[Ala176Thr]NQLELNPDFS

ClinVar aggregate classification (germline): Uncertain significance. Review status: criteria provided, multiple submitters, no conflicts (2 of 4 stars). 2 submissions from 2 submitters: Uncertain significance (2). Last evaluated 2026-04-22.

Conditions:
Glycogen storage disease. Also called: glycogen storage disorder; Disorder of glycogen metabolism. Identifiers: Orphanet 79201, MedGen C0017919, MONDO:0002412.
Glycogen storage disease type III (GSD3). Also called: FORBES DISEASE; Cori disease. Identifiers: Orphanet 366, MedGen C0017922, MONDO:0009291, OMIM 232400.

Allele frequency attached by ClinVar (database versions not stated): gnomAD exomes 0.00005 and 0.00004; 1000 Genomes Project 0.00020; gnomAD 0.00001 and 0.00003; TOPMed below 0.00001; ExAC 0.00002; 1000 Genomes Project 30x 0.00031.
gnomAD v4.1: 59 of 1,613,728 alleles (0.0037%); highest among the groups gnomAD compares: South Asian, 0.064%; no homozygotes.

Submissions (2):

NHS Central & South Genomic Laboratory Hub
Classification: Uncertain significance for Glycogen storage disease. Last evaluated: 2026-04-22. Review status: criteria provided, single submitter. Criteria: ACMG Guidelines, 2015. Collection method: clinical testing. Allele origin: germline. Affected: yes.

Labcorp Genetics (formerly Invitae), Labcorp
Classification: Uncertain significance for Glycogen storage disease type III. Last evaluated: 2021-09-17. Review status: criteria provided, single submitter. Criteria: Invitae Variant Classification Sherloc (09022015). Collection method: clinical testing. Allele origin: germline.
Comment: This sequence change replaces alanine with threonine at codon 176 of the AGL protein (p.Ala176Thr). The alanine residue is moderately conserved and there is a small physicochemical difference between alanine and threonine. This variant is present in population databases (rs533806773, ExAC 0.02%). This variant has not been reported in the literature in individuals with AGL-related conditions. Algorithms developed to predict the effect of missense changes on protein structure and function (SIFT, PolyPhen-2, Align-GVGD) all suggest that this variant is likely to be tolerated, but these predictions have not been confirmed by published functional studies and their clinical significance is uncertain. In summary, the available evidence is currently insufficient to determine the role of this variant in disease. Therefore, it has been classified as a Variant of Uncertain Significance.